The following is an entry in ClinVar:

NM_001371986.1(UNC80):c.8780C>T (p.Ala2927Val)

Gene: UNC80 (unc-80 subunit of NALCN channel complex; plus strand). Cytogenetic location: 2q34.
Variant type: single nucleotide variant.
Coding change: c.8780C>T on transcript NM_001371986.1 (MANE Select); coding-DNA position 8780, C replaced by T.
Protein change: p.Ala2927Val; replaces alanine 2927 with valine.
Molecular consequence: missense variant.
Genome position (GRCh38, 1-based): chr2:209,976,920, C>T. VCF-style: chr2-209976920-C-T. GRCh37 (hg19) VCF-style: chr2-210841644-C-T.
Other names: c.8582C>T, p.Ala2861Val (NM_032504.2); c.8567C>T, p.Ala2856Val (NM_182587.4); short protein forms A2856V, A2861V, A2927V.
Identifiers: ClinVar variation 2418429 (VCV002418429.6), dbSNP rs1220733621, ClinGen allele CA350414014.

ClinVar aggregate classification (germline): Uncertain significance (1 of 4 stars; one submission).

Allele frequency attached by ClinVar (database versions not stated): gnomAD exomes 0.00001; gnomAD 0.00002; TOPMed 0.00002.
gnomAD v4.1: 16 of 1,511,154 alleles (0.0011%); highest among the groups gnomAD compares: Non-Finnish European, 0.0014%; no homozygotes.

Submission:

Labcorp Genetics (formerly Invitae), Labcorp
Classification: Uncertain significance. Last evaluated: 2022-11-15. Review status: criteria provided, single submitter. Criteria: Invitae Variant Classification Sherloc (09022015). Collection method: clinical testing. Allele origin: germline.
Comment: This sequence change replaces alanine, which is neutral and non-polar, with valine, which is neutral and non-polar, at codon 2861 of the UNC80 protein (p.Ala2861Val). In summary, the available evidence is currently insufficient to determine the role of this variant in disease. Therefore, it has been classified as a Variant of Uncertain Significance. Advanced modeling of protein sequence and biophysical properties (such as structural, functional, and spatial information, amino acid conservation, physicochemical variation, residue mobility, and thermodynamic stability) performed at Invitae indicates that this missense variant is not expected to disrupt UNC80 protein function. This variant has not been reported in the literature in individuals affected with UNC80-related conditions. This variant is not present in population databases (gnomAD no frequency).